The following is an entry in ClinVar:

ClinVar aggregate classification (germline): Uncertain significance (1 of 4 stars; one submission).

Submission:

Labcorp Genetics (formerly Invitae), Labcorp
Classification: Uncertain significance. Last evaluated: 2025-11-01. Review status: criteria provided, single submitter. Criteria: Invitae Variant Classification Sherloc (09022015). Collection method: clinical testing. Allele origin: germline.
Comment: This sequence change replaces proline, which is neutral and non-polar, with threonine, which is neutral and polar, at codon 1644 of the KAT6A protein (p.Pro1644Thr). Information on the frequency of this variant in the gnomAD database is not available, as this variant may be reported differently in the database. This variant has not been reported in the literature in individuals affected with KAT6A-related conditions. Experimental studies and prediction algorithms are not available or were not evaluated, and the functional significance of this variant is currently unknown. In summary, the available evidence is currently insufficient to determine the role of this variant in disease. Therefore, it has been classified as a Variant of Uncertain Significance.

NM_006766.5(KAT6A):c.4929_4930delinsAA (p.Pro1644Thr)

Gene: KAT6A (lysine acetyltransferase 6A; minus strand). Cytogenetic location: 8p11.21.
Variant type: Indel.
Coding change: c.4929_4930delinsAA on transcript NM_006766.5 (MANE Select); coding-DNA positions 4929 to 4930, TC replaced by AA.
Protein change: p.Pro1644Thr; replaces proline 1644 with threonine.
Molecular consequence: missense variant.
Genome position (GRCh38, 1-based): chr8:41,933,290-41,933,291, GA replaced by TT on the plus strand (TC replaced by AA on the coding strand, the reverse complement: KAT6A is on the minus strand). VCF-style: chr8-41933290-GA-TT. GRCh37 (hg19) VCF-style: chr8-41790808-GA-TT.
Other names: short protein forms P1644T.
Identifiers: ClinVar variation 4701722 (VCV004701722.1).